The following is an entry in ClinVar:

ClinVar aggregate classification (germline): Uncertain significance (1 of 4 stars; one submission).

Conditions:
Idiopathic generalized epilepsy. Also called: EIG; Generalised epilepsy. Identifiers: MedGen C0270850, MONDO:0005579, OMIM 600669.
Hyperaldosteronism, familial, type IV (HALD4). Also called: FH IV; ALDOSTERONISM, PRIMARY, AND HYPERTENSION. Identifiers: Orphanet 642671, MedGen C4310756, MONDO:0014875, OMIM 617027.

Submission:

Labcorp Genetics (formerly Invitae), Labcorp
Classification: Uncertain significance for Idiopathic generalized epilepsy; Hyperaldosteronism, familial, type IV. Last evaluated: 2023-12-04. Review status: criteria provided, single submitter. Criteria: Invitae Variant Classification Sherloc (09022015). Collection method: clinical testing. Allele origin: germline.
Comment: This sequence change replaces glycine, which is neutral and non-polar, with tryptophan, which is neutral and slightly polar, at codon 1513 of the CACNA1H protein (p.Gly1513Trp). This variant is not present in population databases (gnomAD no frequency). This variant has not been reported in the literature in individuals affected with CACNA1H-related conditions. Advanced modeling of protein sequence and biophysical properties (such as structural, functional, and spatial information, amino acid conservation, physicochemical variation, residue mobility, and thermodynamic stability) performed at Invitae indicates that this missense variant is expected to disrupt CACNA1H protein function with a positive predictive value of 80%. In summary, the available evidence is currently insufficient to determine the role of this variant in disease. Therefore, it has been classified as a Variant of Uncertain Significance.

NM_021098.3(CACNA1H):c.4537G>T (p.Gly1513Trp)

Gene: CACNA1H (calcium voltage-gated channel subunit alpha1 H; plus strand). Cytogenetic location: 16p13.3.
Variant type: single nucleotide variant.
Coding change: c.4537G>T on transcript NM_021098.3 (MANE Select); coding-DNA position 4537, G replaced by T.
Protein change: p.Gly1513Trp; replaces glycine 1513 with tryptophan.
Molecular consequence: missense variant.
Genome position (GRCh38, 1-based): chr16:1,211,776, G>T. VCF-style: chr16-1211776-G-T. GRCh37 (hg19) VCF-style: chr16-1261776-G-T.
Other names: c.4537G>T, p.Gly1513Trp (NM_001005407.2); short protein forms G1513W.
Identifiers: ClinVar variation 2954436 (VCV002954436.3), dbSNP rs1216293677, ClinGen allele CA394180370.
Genomic context (GRCh38, chr16:1,211,776, plus strand): 5'-GCCCTGATGTCGCTGTTCGTGCTGTCATCCAAGGATGGATGGGTGAACATCATGTACGAC[G>T]GGCTGGATGCCGTGGGTGTCGACCAGCAGGTGCGCACAGGCGGGTCGAGCTGGGTCACCT-3'
Protein context (NP_066921.2, residues 1503-1523): KDGWVNIMYD[Gly1513Trp]LDAVGVDQQP